The following is an entry in ClinVar:

ClinVar aggregate classification (germline): Conflicting classifications of pathogenicity. Review status: criteria provided, conflicting classifications (1 of 4 stars). 4 submissions from 4 submitters: Uncertain significance (1); Likely benign (3). Last evaluated 2026-01-13.

Conditions:
Spastic paraplegia. Identifiers: MedGen C0037772, HP:0001258.

Allele frequency attached by ClinVar (database versions not stated): gnomAD exomes 0.00001 and 0.00002; TOPMed 0.00002; gnomAD 0.00003; ESP Exome Variant Server 0.00008.
gnomAD v4.1: 21 of 1,613,794 alleles (0.0013%); highest among the groups gnomAD compares: Admixed American, 0.005%; no homozygotes.

Submissions (4):

Labcorp Genetics (formerly Invitae), Labcorp
Classification: Likely benign for Spastic paraplegia. Last evaluated: 2026-01-13. Review status: criteria provided, single submitter. Criteria: Invitae Variant Classification Sherloc (09022015). Collection method: clinical testing. Allele origin: germline.

Women's Health and Genetics/Laboratory Corporation of America, LabCorp
Classification: Likely benign. Last evaluated: 2025-09-02. Review status: criteria provided, single submitter. Criteria: LabCorp Variant Classification Summary - May 2015. Collection method: clinical testing. Allele origin: germline.

GeneDx
Classification: Likely benign. Last evaluated: 2017-09-22. Review status: criteria provided, single submitter. Criteria: GeneDx Variant Classification (06012015). Collection method: clinical testing. Allele origin: germline. Affected: yes.
Comment: This variant is considered likely benign or benign based on one or more of the following criteria: it is a conservative change, it occurs at a poorly conserved position in the protein, it is predicted to be benign by multiple in silico algorithms, and/or has population frequency not consistent with disease.

CeGaT Center for Human Genetics Tuebingen
Classification: Uncertain significance. Last evaluated: 2016-10-01. Review status: criteria provided, single submitter. Criteria: CeGaT Center For Human Genetics Tuebingen Variant Classification Criteria Version 2. Collection method: clinical testing. Allele origin: germline. Affected: yes. Observed: 1 variant allele.

NM_004984.4(KIF5A):c.750C>T (p.Asp250=)

Gene: KIF5A (kinesin family member 5A; plus strand). Cytogenetic location: 12q13.3.
Variant type: single nucleotide variant.
Coding change: c.750C>T on transcript NM_004984.4 (MANE Select); coding-DNA position 750, C replaced by T.
Protein change: p.Asp250=; no amino-acid change (aspartic acid 250 retained).
Molecular consequence: synonymous variant.
Genome position (GRCh38, 1-based): chr12:57,568,998, C>T. VCF-style: chr12-57568998-C-T. GRCh37 (hg19) VCF-style: chr12-57962781-C-T.
Other names: c.483C>T, p.Asp161= (NM_001354705.2).
Identifiers: ClinVar variation 374485 (VCV000374485.51), dbSNP rs375693647, ClinGen allele CA16043759.